The following is an entry in ClinVar:

NM_002485.5(NBN):c.635T>C (p.Leu212Pro)

Gene: NBN (nibrin; minus strand). Cytogenetic location: 8q21.3.
Variant type: single nucleotide variant.
Coding change: c.635T>C on transcript NM_002485.5 (MANE Select); coding-DNA position 635, T replaced by C.
Protein change: p.Leu212Pro; replaces leucine 212 with proline.
Molecular consequence: missense variant.
Genome position (GRCh38, 1-based): chr8:89,971,240, A>G on the plus strand (T>C on the coding strand, the complement: NBN is on the minus strand). VCF-style: chr8-89971240-A-G. GRCh37 (hg19) VCF-style: chr8-90983468-A-G.
Other names: c.389T>C, p.Leu130Pro (NM_001024688.3); short protein forms L130P, L212P.
Identifiers: ClinVar variation 2130029 (VCV002130029.4), dbSNP rs2129838690, ClinGen allele CA371659177.

ClinVar aggregate classification (germline): Uncertain significance (1 of 4 stars; one submission).

Conditions:
Microcephaly, normal intelligence and immunodeficiency (NBS). Also called: Nijmegen breakage syndrome; Microcephaly with normal intelligence immunodeficiency and lymphoreticular malignancies; Nonsyndromal microcephaly autosomal recessive with normal intelligence; Seemanova syndrome 2; Immunodeficiency, microcephaly with normal intelligence; Ataxia telangiectasia variant V1. Identifiers: Orphanet 647, MedGen C0398791, MONDO:0009623, OMIM 251260.

Submission:

Labcorp Genetics (formerly Invitae), Labcorp
Classification: Uncertain significance for Microcephaly, normal intelligence and immunodeficiency. Last evaluated: 2022-10-05. Review status: criteria provided, single submitter. Criteria: Invitae Variant Classification Sherloc (09022015). Collection method: clinical testing. Allele origin: germline.
Comment: This sequence change replaces leucine, which is neutral and non-polar, with proline, which is neutral and non-polar, at codon 212 of the NBN protein (p.Leu212Pro). This variant is not present in population databases (gnomAD no frequency). This variant has not been reported in the literature in individuals affected with NBN-related conditions. Algorithms developed to predict the effect of missense changes on protein structure and function are either unavailable or do not agree on the potential impact of this missense change (SIFT: "Deleterious"; PolyPhen-2: "Probably Damaging"; Align-GVGD: "Class C0"). In summary, the available evidence is currently insufficient to determine the role of this variant in disease. Therefore, it has been classified as a Variant of Uncertain Significance.